The following is an entry in ClinVar:

NM_001103.4(ACTN2):c.2657C>T (p.Ser886Phe)

Gene: ACTN2 (actinin alpha 2; plus strand). Cytogenetic location: 1q43.
Variant type: single nucleotide variant.
Coding change: c.2657C>T on transcript NM_001103.4 (MANE Select); coding-DNA position 2657, C replaced by T.
Protein change: p.Ser886Phe; replaces serine 886 with phenylalanine.
Molecular consequence: missense variant. On other transcripts: non-coding transcript variant (1).
Genome position (GRCh38, 1-based): chr1:236,762,591, C>T. VCF-style: chr1-236762591-C-T. GRCh37 (hg19) VCF-style: chr1-236925891-C-T.
Other names: c.2657C>T, p.Ser886Phe (NM_001278343.2); c.2033C>T, p.Ser678Phe (NM_001278344.2); c.1907C>T, p.Ser636Phe (NM_001412150.1); short protein forms S636F, S678F, S886F.
Identifiers: ClinVar variation 2629621 (VCV002629621.1), dbSNP rs2527670346, ClinGen allele CA345392659.
Genomic context (GRCh38, chr1:236,762,591, plus strand): 5'-TGCCCGCCTACTCGGGCCCAGGCAGTGTGCCTGGTGCACTGGATTACGCTGCGTTCTCTT[C>T]CGCACTCTACGGGGAGAGCGATCTGTGATGCTGAGCTTCTGTAATCACTCATCCCATCAG-3'
Protein context (NP_001094.1, residues 876-894): PGALDYAAFS[Ser886Phe]ALYGESDL

ClinVar aggregate classification (germline): Uncertain significance (1 of 4 stars; one submission).

Conditions:
ACTN2-related disorder. Also called: ACTN2-related disorders; ACTN2 related condition.

Submission:

PreventionGenetics, part of Exact Sciences
Classification: Uncertain significance for ACTN2-related condition. Last evaluated: 2023-08-21. Review status: criteria provided, single submitter. Criteria: ACMG Guidelines, 2015. Collection method: clinical testing. Allele origin: germline.
Comment: The ACTN2 c.2657C>T variant is predicted to result in the amino acid substitution p.Ser886Phe. To our knowledge, this variant has not been reported in the literature or in a large population database, indicating this variant is rare. At this time, the clinical significance of this variant is uncertain due to the absence of conclusive functional and genetic evidence.